The following is an entry in ClinVar:

NM_001127511.3(APC):c.165+23715G>T

Gene: APC (APC regulator of Wnt signaling pathway; plus strand). Cytogenetic location: 5q22.2.
Variant type: single nucleotide variant.
Coding change: c.165+23715G>T on transcript NM_001127511.3; 23715 bases into the intron after coding-DNA position 165, G replaced by T.
Molecular consequence: intron variant.
Genome position (GRCh38, 1-based): chr5:112,731,597, G>T. VCF-style: chr5-112731597-G-T. GRCh37 (hg19) VCF-style: chr5-112067294-G-T.
Other names: c.-1053-23276G>T (NM_001407470.1, NM_001407472.1); c.-18-23276G>T (NM_001407447.1, NM_001354895.2, NM_001407456.1 and 7 more transcripts); c.165+23715G>T (NM_001407446.1, NM_001354897.2, NM_001354902.2); c.-43+23948G>T (NM_001407453.1).
Identifiers: ClinVar variation 82718 (VCV000082718.4), dbSNP rs78481688, ClinGen allele CA023563.
Genomic context (GRCh38, chr5:112,731,597, plus strand): 5'-CATTAGGCTGCAGCTCCCAACACTGTTGCATTGGGGATTAAATTTCCGACACAGGCTTTT[G>T]GGGGACATACTCAAATCGTGGTAAACATTTTAAAGACTTATATGTCCTCACTGACCCTAC-3'

ClinVar aggregate classification (germline): other (0 of 4 stars; one submission).

Conditions:
Familial colorectal cancer. Identifiers: MedGen CN280943, MONDO:0023113. Disease mechanism: loss of function.

Submission:

Systems Biology Platform Zhejiang California International NanoSystems Institute
Classification: other for Familial colorectal cancer. Review status: no assertion criteria provided. Collection method: not provided. Allele origin: unknown.
ClinVar note: Converted during submission from cancer to other.